The following is an entry in ClinVar:

ClinVar aggregate classification (germline): Uncertain significance (1 of 4 stars; one submission).

Conditions:
Neuropathy, hereditary sensory and autonomic, type 2A (HSAN2A). Also called: MORVAN DISEASE; NEUROPATHY, CONGENITAL SENSORY; NEUROPATHY, HEREDITARY SENSORY RADICULAR, AUTOSOMAL RECESSIVE; NEUROPATHY, HEREDITARY SENSORY, TYPE IIA; NEUROPATHY, PROGRESSIVE SENSORY, OF CHILDREN; ACROOSTEOLYSIS, GIACCAI TYPE. Identifiers: Orphanet 970, MedGen C2752089, MONDO:0024309, OMIM 201300.
Generalized epilepsy with febrile seizures plus, type 7 (GEFSP7). Also called: GEFS+, TYPE 7. Identifiers: Orphanet 36387, MedGen C2751778, MONDO:0013470, OMIM 613863.

gnomAD v4.1: 2 of 1,613,636 alleles (0.00012%); highest among the groups gnomAD compares: African/African-American, 0.0013%; no homozygotes.

Submission:

Labcorp Genetics (formerly Invitae), Labcorp
Classification: Uncertain significance for Neuropathy, hereditary sensory and autonomic, type 2A; Generalized epilepsy with febrile seizures plus, type 7. Last evaluated: 2024-09-14. Review status: criteria provided, single submitter. Criteria: Invitae Variant Classification Sherloc (09022015). Collection method: clinical testing. Allele origin: germline.
Comment: This sequence change replaces phenylalanine, which is neutral and non-polar, with leucine, which is neutral and non-polar, at codon 254 of the SCN9A protein (p.Phe254Leu). This variant is present in population databases (no rsID available, gnomAD 0.0009%). This variant has not been reported in the literature in individuals affected with SCN9A-related conditions. Invitae Evidence Modeling of protein sequence and biophysical properties (such as structural, functional, and spatial information, amino acid conservation, physicochemical variation, residue mobility, and thermodynamic stability) indicates that this missense variant is not expected to disrupt SCN9A protein function with a negative predictive value of 80%. In summary, the available evidence is currently insufficient to determine the role of this variant in disease. Therefore, it has been classified as a Variant of Uncertain Significance.

NM_001365536.1(SCN9A):c.760T>C (p.Phe254Leu)

Gene: SCN9A (sodium voltage-gated channel alpha subunit 9; minus strand). Cytogenetic location: 2q24.3.
Variant type: single nucleotide variant.
Coding change: c.760T>C on transcript NM_001365536.1 (MANE Select); coding-DNA position 760, T replaced by C.
Protein change: p.Phe254Leu; replaces phenylalanine 254 with leucine.
Molecular consequence: missense variant.
Genome position (GRCh38, 1-based): chr2:166,303,231, A>G on the plus strand (T>C on the coding strand, the complement: SCN9A is on the minus strand). VCF-style: chr2-166303231-A-G. GRCh37 (hg19) VCF-style: chr2-167159741-A-G.
Other names: c.760T>C, p.Phe254Leu (NM_002977.4); short protein forms F254L.
Identifiers: ClinVar variation 3757058 (VCV003757058.2).